The following is an entry in ClinVar:

ClinVar aggregate classification (germline): Benign (1 of 4 stars; one submission).

Allele frequency attached by ClinVar (database versions not stated): 1000 Genomes Project 0.00140; 1000 Genomes Project 30x 0.00172; TOPMed 0.00230; ExAC 0.00253; gnomAD 0.00275; gnomAD exomes 0.00352.
gnomAD v4.1: 5,261 of 1,547,206 alleles (0.34%); highest among the groups gnomAD compares: Non-Finnish European, 0.39%; 14 homozygotes.

Submission:

CeGaT Center for Human Genetics Tuebingen
Classification: Benign. Last evaluated: 2022-06-01. Review status: criteria provided, single submitter. Criteria: CeGaT Center For Human Genetics Tuebingen Variant Classification Criteria Version 2. Collection method: clinical testing. Allele origin: germline. Affected: yes. Observed: 1 variant allele.
Comment: RABGAP1L: BS1, BS2

NM_001366446.1(RABGAP1L):c.3134A>C (p.Gln1045Pro)

Gene: RABGAP1L (RAB GTPase activating protein 1 like; plus strand). Cytogenetic location: 1q25.1.
Variant type: single nucleotide variant.
Coding change: c.3134A>C on transcript NM_001366446.1 (MANE Select); coding-DNA position 3134, A replaced by C.
Protein change: p.Gln1045Pro; replaces glutamine 1045 with proline.
Molecular consequence: missense variant. On other transcripts: non-coding transcript variant (1).
Genome position (GRCh38, 1-based): chr1:174,989,979, A>C. VCF-style: chr1-174989979-A-C. GRCh37 (hg19) VCF-style: chr1-174959116-A-C.
Other names: c.740A>C, p.Gln247Pro (NM_001243764.2); c.1091A>C, p.Gln364Pro (NM_001243765.2); c.905A>C, p.Gln302Pro (NM_001330989.2); c.2936A>C, p.Gln979Pro (NM_001366448.1); c.1055A>C, p.Gln352Pro (NM_001366450.1); c.749A>C, p.Gln250Pro (NM_001366451.1, NM_001366457.1); c.1115A>C, p.Gln372Pro (NM_001366452.1); c.707A>C, p.Gln236Pro (NM_001366454.1); and 1 more; short protein forms Q1045P, Q236P, Q247P, Q250P, Q298P, Q302P, Q352P, Q364P.
Identifiers: ClinVar variation 2639572 (VCV002639572.22), dbSNP rs41266062, ClinGen allele CA1253352.